The following is an entry in ClinVar:

NM_001067.4(TOP2A):c.3590G>C (p.Gly1197Ala)

Gene: TOP2A (DNA topoisomerase II alpha; minus strand). Cytogenetic location: 17q21.2.
Variant type: single nucleotide variant.
Coding change: c.3590G>C on transcript NM_001067.4 (MANE Select); coding-DNA position 3590, G replaced by C.
Protein change: p.Gly1197Ala; replaces glycine 1197 with alanine.
Molecular consequence: missense variant.
Genome position (GRCh38, 1-based): chr17:40,396,413, C>G on the plus strand (G>C on the coding strand, the complement: TOP2A is on the minus strand). VCF-style: chr17-40396413-C-G. GRCh37 (hg19) VCF-style: chr17-38552665-C-G.
Other names: short protein forms G1197A.
Identifiers: ClinVar variation 714415 (VCV000714415.27), dbSNP rs1804537, ClinGen allele CA8543130.

ClinVar aggregate classification (germline): Likely benign. Review status: criteria provided, multiple submitters, no conflicts (2 of 4 stars). 4 submissions from 4 submitters: Likely benign (3). 1 of the submissions does not count toward it. Last evaluated 2025-08-01.

Conditions:
TOP2A-related disorder. Also called: TOP2A-related condition.

Allele frequency attached by ClinVar (database versions not stated): ESP Exome Variant Server 0.00126; TOPMed 0.00196; 1000 Genomes Project 0.00260; 1000 Genomes Project 30x 0.00281.
gnomAD v4.1: 1,351 of 1,613,860 alleles (0.084%); highest among the groups gnomAD compares: African/African-American, 0.53%; 4 homozygotes.

Submissions (4):

CeGaT Center for Human Genetics Tuebingen
Classification: Likely benign. Last evaluated: 2025-08-01. Review status: criteria provided, single submitter. Criteria: CeGaT Center For Human Genetics Tuebingen Variant Classification Criteria Version 2. Collection method: clinical testing. Allele origin: germline. Affected: yes. Observed: 2 variant alleles.
Comment: TOP2A: BP4, BS1

Labcorp Genetics (formerly Invitae), Labcorp
Classification: Likely benign. Last evaluated: 2018-09-20. Review status: criteria provided, single submitter. Criteria: Invitae Variant Classification Sherloc (09022015). Collection method: clinical testing. Allele origin: germline.

Breakthrough Genomics
Classification: Likely benign. Review status: criteria provided, single submitter. Criteria: ACMG Guidelines, 2015. Collection method: not provided. Allele origin: germline. Inheritance: Unknown mechanism. Affected: yes.

PreventionGenetics, part of Exact Sciences
Classification: Likely benign for TOP2A-related condition. Last evaluated: 2019-11-08. Review status: no assertion criteria provided. Collection method: clinical testing. Allele origin: germline. Not counted in ClinVar's aggregate classification.
Comment: This variant is classified as likely benign based on ACMG/AMP sequence variant interpretation guidelines (Richards et al. 2015 PMID: 25741868, with internal and published modifications).